The following is an entry in ClinVar:

NM_007325.5(GRIA3):c.1076A>G (p.Lys359Arg)

Gene: GRIA3 (glutamate ionotropic receptor AMPA type subunit 3; plus strand). Cytogenetic location: Xq25.
Variant type: single nucleotide variant.
Coding change: c.1076A>G on transcript NM_007325.5 (MANE Select); coding-DNA position 1076, A replaced by G.
Protein change: p.Lys359Arg; replaces lysine 359 with arginine.
Molecular consequence: missense variant.
Genome position (GRCh38, 1-based): chrX:123,398,799, A>G. VCF-style: chrX-123398799-A-G. GRCh37 (hg19) VCF-style: chrX-122532650-A-G.
Other names: c.1076A>G, p.Lys359Arg (NM_000828.5); short protein forms K359R.
Identifiers: ClinVar variation 4681131 (VCV004681131.1).

ClinVar aggregate classification (germline): Uncertain significance (1 of 4 stars; one submission).

Submission:

GeneDx
Classification: Uncertain significance. Last evaluated: 2025-07-02. Review status: criteria provided, single submitter. Criteria: GeneDx Variant Classification Process June 2021. Collection method: clinical testing. Allele origin: germline. Affected: yes.
Comment: Not observed at significant frequency in large population cohorts (gnomAD); In silico analysis supports that this missense variant has a deleterious effect on protein structure/function; Has not been previously published as pathogenic or benign to our knowledge